The following is an entry in ClinVar:

ClinVar aggregate classification (germline): Uncertain significance. Review status: criteria provided, multiple submitters, no conflicts (2 of 4 stars). 2 submissions from 2 submitters: Uncertain significance (2). Last evaluated 2023-07-01.

Conditions:
Cardiomyopathy (CMYO). Also called: Cardiomyopathies. Identifiers: Orphanet 167848, MedGen C0878544, MONDO:0004994, HP:0001638. Inheritance: Various modes of inheritance.

Allele frequency attached by ClinVar (database versions not stated): gnomAD exomes below 0.00001.
gnomAD v4.1: 2 of 1,612,348 alleles (0.00012%); highest among the groups gnomAD compares: South Asian, 0.0022%; no homozygotes.

Submissions (2):

CeGaT Center for Human Genetics Tuebingen
Classification: Uncertain significance. Last evaluated: 2023-07-01. Review status: criteria provided, single submitter. Criteria: CeGaT Center For Human Genetics Tuebingen Variant Classification Criteria Version 2. Collection method: clinical testing. Allele origin: germline. Affected: yes. Observed: 1 variant allele.
Comment: TTN: PM2, BP4

CHEO Genetics Diagnostic Laboratory, Children's Hospital of Eastern Ontario
Classification: Uncertain significance for Cardiomyopathy. Last evaluated: 2021-11-25. Review status: criteria provided, single submitter. Criteria: ACMG Guidelines, 2015. Collection method: clinical testing. Allele origin: germline.

NM_001267550.2(TTN):c.52174C>A (p.Pro17392Thr)

Genes: TTN (titin; minus strand), TTN-AS1 (TTN antisense RNA 1; plus strand). Cytogenetic location: 2q31.2.
Variant type: single nucleotide variant.
Coding change: c.52174C>A on transcript NM_001267550.2 (MANE Select); coding-DNA position 52174, C replaced by A.
Protein change: p.Pro17392Thr; replaces proline 17392 with threonine.
Molecular consequence: missense variant.
Genome position (GRCh38, 1-based): chr2:178,608,837, G>T on the plus strand (C>A on the coding strand, the complement: TTN is on the minus strand). VCF-style: chr2-178608837-G-T. GRCh37 (hg19) VCF-style: chr2-179473564-G-T.
Other names: c.47251C>A, p.Pro15751Thr (NM_001256850.1); c.24979C>A, p.Pro8327Thr (NM_003319.4); c.44470C>A, p.Pro14824Thr (NM_133378.4); c.25354C>A, p.Pro8452Thr (NM_133432.3); c.25555C>A, p.Pro8519Thr (NM_133437.4); short protein forms P14824T, P15751T, P17392T, P8327T, P8452T, P8519T.
Identifiers: ClinVar variation 2442833 (VCV002442833.26), dbSNP rs2055566113, ClinGen allele CA349576405.